The following is an entry in ClinVar:

NM_001457.4(FLNB):c.6462C>T (p.Cys2154=)

Gene: FLNB (filamin B; plus strand). Cytogenetic location: 3p14.3.
Variant type: single nucleotide variant.
Coding change: c.6462C>T on transcript NM_001457.4 (MANE Select); coding-DNA position 6462, C replaced by T.
Protein change: p.Cys2154=; no amino-acid change (cysteine 2154 retained).
Molecular consequence: synonymous variant.
Genome position (GRCh38, 1-based): chr3:58,153,469, C>T. VCF-style: chr3-58153469-C-T. GRCh37 (hg19) VCF-style: chr3-58139196-C-T.
Other names: c.6555C>T, p.Cys2185= (NM_001164317.2); c.6429C>T, p.Cys2143= (NM_001164318.2); c.6390C>T, p.Cys2130= (NM_001164319.2).
Identifiers: ClinVar variation 3613222 (VCV003613222.9).

ClinVar aggregate classification (germline): Likely benign. Review status: criteria provided, multiple submitters, no conflicts (2 of 4 stars). 2 submissions from 2 submitters: Likely benign (2). Last evaluated 2025-06-12.

gnomAD v4.1: 22 of 1,614,256 alleles (0.0014%); highest among the groups gnomAD compares: Middle Eastern, 0.016%; no homozygotes.

Submissions (2):

Labcorp Genetics (formerly Invitae), Labcorp
Classification: Likely benign. Last evaluated: 2025-06-12. Review status: criteria provided, single submitter. Criteria: Invitae Variant Classification Sherloc (09022015). Collection method: clinical testing. Allele origin: germline.

CeGaT Center for Human Genetics Tuebingen
Classification: Likely benign. Last evaluated: 2025-04-01. Review status: criteria provided, single submitter. Criteria: CeGaT Center For Human Genetics Tuebingen Variant Classification Criteria Version 2. Collection method: clinical testing. Allele origin: germline. Affected: yes. Observed: 1 variant allele.
Comment: FLNB: BP7